The following is an entry in ClinVar:

ClinVar aggregate classification (germline): Uncertain significance (1 of 4 stars; one submission).

Conditions:
Hereditary cancer-predisposing syndrome. Also called: Neoplastic Syndromes, Hereditary; Hereditary neoplastic syndrome; Tumor predisposition; Hereditary Cancer Syndrome. Identifiers: Orphanet 140162, MedGen C0027672, MeSH D009386, MONDO:0015356.

Submission:

Ambry Genetics
Classification: Uncertain significance for Hereditary cancer-predisposing syndrome. Last evaluated: 2025-10-07. Review status: criteria provided, single submitter. Criteria: Ambry Variant Classification Scheme 2023. Collection method: clinical testing. Allele origin: germline.
Comment: The p.E441K variant (also known as c.1321G>A), located in coding exon 11 of the MRE11A gene, results from a G to A substitution at nucleotide position 1321. The glutamic acid at codon 441 is replaced by lysine, an amino acid with similar properties. This amino acid position is conserved. In addition, the in silico prediction for this alteration is inconclusive. Since supporting evidence is limited at this time, the clinical significance of this alteration remains unclear.

NM_005591.4(MRE11):c.1321G>A (p.Glu441Lys)

Gene: MRE11 (MRE11 double strand break repair nuclease; minus strand). Cytogenetic location: 11q21.
Variant type: single nucleotide variant.
Coding change: c.1321G>A on transcript NM_005591.4 (MANE Select); coding-DNA position 1321, G replaced by A.
Protein change: p.Glu441Lys; replaces glutamic acid 441 with lysine.
Molecular consequence: missense variant.
Genome position (GRCh38, 1-based): chr11:94,460,941, C>T on the plus strand (G>A on the coding strand, the complement: MRE11 is on the minus strand). VCF-style: chr11-94460941-C-T. GRCh37 (hg19) VCF-style: chr11-94194107-C-T.
Other names: c.1321G>A, p.Glu441Lys (NM_001330347.2, NM_005590.4); short protein forms E441K.
Identifiers: ClinVar variation 2465548 (VCV002465548.3), dbSNP rs2496399296, ClinGen allele CA382372280.